The following is an entry in ClinVar:

NM_002519.3(NPAT):c.2909A>G (p.His970Arg)

Gene: NPAT (nuclear protein, coactivator of histone transcription; minus strand). Cytogenetic location: 11q22.3.
Variant type: single nucleotide variant.
Coding change: c.2909A>G on transcript NM_002519.3 (MANE Select); coding-DNA position 2909, A replaced by G.
Protein change: p.His970Arg; replaces histidine 970 with arginine.
Molecular consequence: missense variant.
Genome position (GRCh38, 1-based): chr11:108,169,845, T>C on the plus strand (A>G on the coding strand, the complement: NPAT is on the minus strand). VCF-style: chr11-108169845-T-C. GRCh37 (hg19) VCF-style: chr11-108040572-T-C.
Other names: c.2909A>G, p.His970Arg (NM_001321307.1); short protein forms H970R.
Identifiers: ClinVar variation 2568022 (VCV002568022.2), dbSNP rs1276979685, ClinGen allele CA382511968.

ClinVar aggregate classification (germline): Uncertain significance (1 of 4 stars; one submission).

Allele frequency attached by ClinVar (database versions not stated): gnomAD exomes below 0.00001.

Submission:

Ambry Genetics
Classification: Uncertain significance. Last evaluated: 2023-05-31. Review status: criteria provided, single submitter. Criteria: Ambry Variant Classification Scheme 2023. Collection method: clinical testing. Allele origin: germline.
Comment: The p.H970R variant (also known as c.2909A>G), located in coding exon 15 of the NPAT gene, results from an A to G substitution at nucleotide position 2909. The histidine at codon 970 is replaced by arginine, an amino acid with highly similar properties. This amino acid position is conserved. In addition, this alteration is predicted to be tolerated by in silico analysis. Since supporting evidence is limited at this time, the clinical significance of this alteration remains unclear.